The following is an entry in ClinVar:

NM_022489.4(INF2):c.2812G>A (p.Glu938Lys)

Gene: INF2 (inverted formin 2; plus strand). Cytogenetic location: 14q32.33.
Variant type: single nucleotide variant.
Coding change: c.2812G>A on transcript NM_022489.4 (MANE Select); coding-DNA position 2812, G replaced by A.
Protein change: p.Glu938Lys; replaces glutamic acid 938 with lysine.
Molecular consequence: missense variant.
Genome position (GRCh38, 1-based): chr14:104,713,243, G>A. VCF-style: chr14-104713243-G-A. GRCh37 (hg19) VCF-style: chr14-105179580-G-A.
Other names: c.2812G>A, p.Glu938Lys (NM_001031714.4); short protein forms E938K.
Identifiers: ClinVar variation 649919 (VCV000649919.8), dbSNP rs1595178511, ClinGen allele CA391222689.

ClinVar aggregate classification (germline): Uncertain significance (1 of 4 stars; one submission).

Conditions:
Charcot-Marie-Tooth disease dominant intermediate E. Also called: CHARCOT-MARIE-TOOTH NEUROPATHY WITH FOCAL SEGMENTAL GLOMERULONEPHRITIS. Identifiers: Orphanet 93114, MedGen C4302667, MONDO:0013758, OMIM 614455.
Focal segmental glomerulosclerosis 5 (FSGS5). Identifiers: Orphanet 656, MedGen C2750475, MONDO:0013191, OMIM 613237.

Allele frequency attached by ClinVar (database versions not stated): gnomAD exomes below 0.00001.
gnomAD v4.1: 1 of 1,552,892 alleles (0.000064%); highest among the groups gnomAD compares: Non-Finnish European, 0.000087%; no homozygotes.

Submission:

Labcorp Genetics (formerly Invitae), Labcorp
Classification: Uncertain significance for Charcot-Marie-Tooth disease dominant intermediate E; Focal segmental glomerulosclerosis 5. Last evaluated: 2018-11-01. Review status: criteria provided, single submitter. Criteria: Invitae Variant Classification Sherloc (09022015). Collection method: clinical testing. Allele origin: germline.
Comment: In summary, the available evidence is currently insufficient to determine the role of this variant in disease. Therefore, it has been classified as a Variant of Uncertain Significance. This variant has not been reported in the literature in individuals with INF2-related disease. This variant is not present in population databases (ExAC no frequency). This sequence change replaces glutamic acid with lysine at codon 938 of the INF2 protein (p.Glu938Lys). The glutamic acid residue is moderately conserved and there is a small physicochemical difference between glutamic acid and lysine.